The following is an entry in ClinVar:

NM_001029883.3(PCARE):c.1471G>A (p.Glu491Lys)

Gene: PCARE (photoreceptor cilium actin regulator; minus strand). Cytogenetic location: 2p23.2.
Variant type: single nucleotide variant.
Coding change: c.1471G>A on transcript NM_001029883.3 (MANE Select); coding-DNA position 1471, G replaced by A.
Protein change: p.Glu491Lys; replaces glutamic acid 491 with lysine.
Molecular consequence: missense variant.
Genome position (GRCh38, 1-based): chr2:29,072,791, C>T on the plus strand (G>A on the coding strand, the complement: PCARE is on the minus strand). VCF-style: chr2-29072791-C-T. GRCh37 (hg19) VCF-style: chr2-29295657-C-T.
Other names: short protein forms E491K.
Identifiers: ClinVar variation 335661 (VCV000335661.7), dbSNP rs528670230, ClinGen allele CA1592418.

ClinVar aggregate classification (germline): Uncertain significance. Review status: criteria provided, multiple submitters, no conflicts (2 of 4 stars). 3 submissions from 3 submitters: Uncertain significance (3). Last evaluated 2022-02-22.

Conditions:
Retinitis pigmentosa (RP). Identifiers: Orphanet 791, MedGen C0035334, MeSH D012174, MONDO:0019200, OMIM 268000. Inheritance: Autosomal dominant, autosomal recessive and X linked inheritance.

Allele frequency attached by ClinVar (database versions not stated): gnomAD below 0.00001 and 0.00002; gnomAD exomes 0.00001; TOPMed 0.00001; ExAC 0.00002; 1000 Genomes Project 30x 0.00016; 1000 Genomes Project 0.00020.

Submissions (3):

Labcorp Genetics (formerly Invitae), Labcorp
Classification: Uncertain significance. Last evaluated: 2022-02-22. Review status: criteria provided, single submitter. Criteria: Invitae Variant Classification Sherloc (09022015). Collection method: clinical testing. Allele origin: germline.
Comment: This sequence change replaces glutamic acid, which is acidic and polar, with lysine, which is basic and polar, at codon 491 of the PCARE protein (p.Glu491Lys). This variant is present in population databases (rs528670230, gnomAD 0.006%). This variant has not been reported in the literature in individuals affected with PCARE-related conditions. ClinVar contains an entry for this variant (Variation ID: 335661). Algorithms developed to predict the effect of missense changes on protein structure and function output the following: SIFT: "Tolerated"; PolyPhen-2: "Benign"; Align-GVGD: "Class C0". The lysine amino acid residue is found in multiple mammalian species, which suggests that this missense change does not adversely affect protein function. In summary, the available evidence is currently insufficient to determine the role of this variant in disease. Therefore, it has been classified as a Variant of Uncertain Significance.

Blueprint Genetics
Classification: Uncertain significance. Last evaluated: 2021-11-11. Review status: criteria provided, single submitter. Criteria: ACMG Guidelines, 2015. Collection method: clinical testing. Allele origin: germline.

Illumina Laboratory Services, Illumina
Classification: Uncertain significance for Retinitis pigmentosa. Last evaluated: 2018-01-13. Review status: criteria provided, single submitter. Criteria: ICSL Variant Classification Criteria 13 December 2019. Collection method: clinical testing. Allele origin: germline.